The following is an entry in ClinVar:

ClinVar aggregate classification (germline): Likely pathogenic (1 of 4 stars; one submission).

Conditions:
Telangiectasia, hereditary hemorrhagic, type 2 (HHT2). Also called: ACVRL1-Related Hereditary Hemorrhagic Telangiectasia; Telangiectasia, hereditary hemorrhagic, type II. Identifiers: Orphanet 774, MedGen C1838163, MONDO:0010880, OMIM 600376. Disease mechanism: loss of function.

Submission:

Labcorp Genetics (formerly Invitae), Labcorp
Classification: Likely pathogenic for Telangiectasia, hereditary hemorrhagic, type 2. Last evaluated: 2025-04-20. Review status: criteria provided, single submitter. Criteria: Invitae Variant Classification Sherloc (09022015). Collection method: clinical testing. Allele origin: germline.
Comment: This sequence change replaces cysteine, which is neutral and slightly polar, with phenylalanine, which is neutral and non-polar, at codon 51 of the ACVRL1 protein (p.Cys51Phe). This variant is not present in population databases (gnomAD no frequency). This missense change has been observed in individual(s) with clinical features of hereditary hemorrhagic telangiectasia (internal data). Invitae Evidence Modeling of protein sequence and biophysical properties (such as structural, functional, and spatial information, amino acid conservation, physicochemical variation, residue mobility, and thermodynamic stability) indicates that this missense variant is expected to disrupt ACVRL1 protein function with a positive predictive value of 95%. This variant affects a cysteine residue located within the ACVRL1 protein ectodomain. Cysteine residues in this domain of ACVRL1 are involved in the formation of disulfide bridges critical for protein structure and stability (PMID: 22028876, 22718755, 22799562). In addition, missense substitutions within the ACVRL1 ectodomain affecting cysteine residues are overrepresented in patients with HHT (PMID: 20501893, 26176610 and an online resource). This variant disrupts the p.Cys51 amino acid residue in ACVRL1. Other variant(s) that disrupt this residue have been determined to be pathogenic (PMID: 10694922, 16429404, 20501893, 23722869; internal data). This suggests that this residue is clinically significant, and that variants that disrupt this residue are likely to be disease-causing. In summary, the currently available evidence indicates that the variant is pathogenic, but additional data are needed to prove that conclusively. Therefore, this variant has been classified as Likely Pathogenic.

Literature cited by the submitters: PubMed 22028876; PubMed 22718755; PubMed 22799562; PubMed 20501893; PubMed 26176610; PubMed 10694922; PubMed 16429404; PubMed 23722869.

NM_000020.3(ACVRL1):c.152G>T (p.Cys51Phe)

Gene: ACVRL1 (activin A receptor like type 1; plus strand). Cytogenetic location: 12q13.13.
Variant type: single nucleotide variant.
Coding change: c.152G>T on transcript NM_000020.3 (MANE Select); coding-DNA position 152, G replaced by T.
Protein change: p.Cys51Phe; replaces cysteine 51 with phenylalanine.
Molecular consequence: missense variant. On other transcripts: intron variant (1).
Genome position (GRCh38, 1-based): chr12:51,913,189, G>T. VCF-style: chr12-51913189-G-T. GRCh37 (hg19) VCF-style: chr12-52306973-G-T.
Other names: c.152G>T, p.Cys51Phe (NM_001077401.2, NM_001406487.1, NM_001406488.1 and 6 more transcripts); c.61+654G>T (NM_001406495.1); short protein forms C51F.
Identifiers: ClinVar variation 4801295 (VCV004801295.1).
Genomic context (GRCh38, chr12:51,913,189, plus strand): 5'-TGGTGACCTGCACGTGTGAGAGCCCACATTGCAAGGGGCCTACCTGCCGGGGGGCCTGGT[G>T]CACAGTAGTGCTGGTGCGGGAGGAGGGGAGGCACCCCCAGGAACATCGGGGCTGCGGGAA-3'
Protein context (NP_000011.2, residues 41-61): CKGPTCRGAW[Cys51Phe]TVVLVREEGR